The following is an entry in ClinVar:

ClinVar aggregate classification (germline): Uncertain significance (1 of 4 stars; one submission).

Conditions:
MELAS syndrome (MELAS). Also called: Juvenile myopathy, encephalopathy, lactic acidosis, stroke. Identifiers: Orphanet 550, MedGen C0162671, MONDO:0010789, OMIM 540000.

Submission:

Wong Mito Lab, Molecular and Human Genetics, Baylor College of Medicine
Classification: Uncertain significance for MELAS syndrome. Last evaluated: 2019-07-12. Review status: criteria provided, single submitter. Criteria: Modified ACMG Guidelines (Unpublished). Collection method: clinical testing. Allele origin: germline.
Comment: The NC_012920.1:m.8364A>T variant in MT-TK gene is interpreted to be a Unknown Significance variant based on the modified ACMG guidelines (unpublished). This variant meets the following evidence codes reported in the guidelines: PP7, BP6

Literature cited by the submitters: PubMed 31965079.

NC_012920.1(MT-TK):m.8364A>T

Gene: MT-TK (mitochondrially encoded tRNA lysine; plus strand).
Variant type: single nucleotide variant.
Genome position: chrM-8364-A-T.
Identifiers: ClinVar variation 690085 (VCV000690085.1), dbSNP rs1603221428, ClinGen allele CA913179106.